The following is an entry in ClinVar:

ClinVar aggregate classification (germline): Uncertain significance (1 of 4 stars; one submission).

Conditions:
Hereditary cancer-predisposing syndrome. Also called: Neoplastic Syndromes, Hereditary; Tumor predisposition; Hereditary Cancer Syndrome; Hereditary neoplastic syndrome. Identifiers: Orphanet 140162, MedGen C0027672, MeSH D009386, MONDO:0015356.

Submission:

Ambry Genetics
Classification: Uncertain significance for Hereditary cancer-predisposing syndrome. Last evaluated: 2021-11-19. Review status: criteria provided, single submitter. Criteria: Ambry Variant Classification Scheme 2023. Collection method: clinical testing. Allele origin: germline.
Comment: The c.-2C>A variant is located in the 5' untranslated region (5&rsquo; UTR) of the FH gene. This variant results from a C to A substitution 2 bases upstream from the first translated codon. This nucleotide position is well conserved in available vertebrate species. Since supporting evidence is limited at this time, the clinical significance of this alteration remains unclear.

NM_000143.4(FH):c.-2C>A

Gene: FH (fumarate hydratase; minus strand). Cytogenetic location: 1q43.
Variant type: single nucleotide variant.
Coding change: c.-2C>A on transcript NM_000143.4 (MANE Select); 2 bases upstream of the start codon, C replaced by A.
Molecular consequence: 5 prime UTR variant.
Genome position (GRCh38, 1-based): chr1:241,519,724, G>T on the plus strand (C>A on the coding strand, the complement: FH is on the minus strand). VCF-style: chr1-241519724-G-T. GRCh37 (hg19) VCF-style: chr1-241683024-G-T.
Identifiers: ClinVar variation 1798652 (VCV001798652.2), dbSNP rs1246116864, ClinGen allele CA2580063566.